The following is an entry in ClinVar:

ClinVar aggregate classification (germline): Uncertain significance (1 of 4 stars; one submission).

Conditions:
Rhabdoid tumor predisposition syndrome 2 (RTPS2). Identifiers: Orphanet 231108, Orphanet 69077, MedGen C2750074, MONDO:0013224, OMIM 613325.

Submission:

Labcorp Genetics (formerly Invitae), Labcorp
Classification: Uncertain significance for Rhabdoid tumor predisposition syndrome 2. Last evaluated: 2022-03-17. Review status: criteria provided, single submitter. Criteria: Invitae Variant Classification Sherloc (09022015). Collection method: clinical testing. Allele origin: germline.
Comment: In summary, the available evidence is currently insufficient to determine the role of this variant in disease. Therefore, it has been classified as a Variant of Uncertain Significance. Algorithms developed to predict the effect of missense changes on protein structure and function (SIFT, PolyPhen-2, Align-GVGD) all suggest that this variant is likely to be tolerated. This variant has not been reported in the literature in individuals affected with SMARCA4-related conditions. This variant is not present in population databases (gnomAD no frequency). This sequence change replaces serine, which is neutral and polar, with alanine, which is neutral and non-polar, at codon 100 of the SMARCA4 protein (p.Ser100Ala).

NM_003072.5(SMARCA4):c.298T>G (p.Ser100Ala)

Gene: SMARCA4 (SWI/SNF related BAF chromatin remodeling complex subunit ATPase 4; plus strand). Cytogenetic location: 19p13.2.
Variant type: single nucleotide variant.
Coding change: c.298T>G on transcript NM_003072.5 (MANE Select); coding-DNA position 298, T replaced by G.
Protein change: p.Ser100Ala; replaces serine 100 with alanine.
Molecular consequence: missense variant. On other transcripts: non-coding transcript variant (1).
Genome position (GRCh38, 1-based): chr19:10,985,348, T>G. VCF-style: chr19-10985348-T-G. GRCh37 (hg19) VCF-style: chr19-11096024-T-G.
Other names: c.298T>G, p.Ser100Ala (NM_001128844.3, NM_001128845.2, NM_001128846.2 and 6 more transcripts); short protein forms S100A.
Identifiers: ClinVar variation 2112976 (VCV002112976.4), dbSNP rs2513970647, ClinGen allele CA404055244.